The following is an entry in ClinVar:

NM_001323289.2(CDKL5):c.2782G>C (p.Glu928Gln)

Gene: CDKL5 (cyclin dependent kinase like 5; plus strand). Cytogenetic location: Xp22.13.
Variant type: single nucleotide variant.
Coding change: c.2782G>C on transcript NM_001323289.2 (MANE Select); coding-DNA position 2782, G replaced by C.
Protein change: p.Glu928Gln; replaces glutamic acid 928 with glutamine.
Molecular consequence: missense variant. On other transcripts: intron variant (2).
Genome position (GRCh38, 1-based): chrX:18,628,656, G>C. VCF-style: chrX-18628656-G-C. GRCh37 (hg19) VCF-style: chrX-18646776-G-C.
Other names: c.2713+69G>C (NM_003159.3, NM_001037343.2); short protein forms E928Q.
Identifiers: ClinVar variation 2660104 (VCV002660104.24), dbSNP rs1014339966, ClinGen allele CA327009079.

ClinVar aggregate classification (germline): Uncertain significance (1 of 4 stars; one submission).

Allele frequency attached by ClinVar (database versions not stated): gnomAD exomes below 0.00001.
gnomAD v4.1: 1 of 1,207,355 alleles (0.000083%); highest among the groups gnomAD compares: Non-Finnish European, 0.00011%; no homozygotes.

Submission:

CeGaT Center for Human Genetics Tuebingen
Classification: Uncertain significance. Last evaluated: 2022-05-01. Review status: criteria provided, single submitter. Criteria: CeGaT Center For Human Genetics Tuebingen Variant Classification Criteria Version 2. Collection method: clinical testing. Allele origin: germline. Affected: yes. Observed: 1 variant allele.
Comment: CDKL5: PM2